The following is an entry in ClinVar:

NM_004260.4(RECQL4):c.1667G>T (p.Gly556Val)

Gene: RECQL4 (RecQ like helicase 4; minus strand). Cytogenetic location: 8q24.3.
Variant type: single nucleotide variant.
Coding change: c.1667G>T on transcript NM_004260.4 (MANE Select); coding-DNA position 1667, G replaced by T.
Protein change: p.Gly556Val; replaces glycine 556 with valine.
Molecular consequence: missense variant.
Genome position (GRCh38, 1-based): chr8:144,514,479, C>A on the plus strand (G>T on the coding strand, the complement: RECQL4 is on the minus strand). VCF-style: chr8-144514479-C-A. GRCh37 (hg19) VCF-style: chr8-145739863-C-A.
Other names: short protein forms G556V.
Identifiers: ClinVar variation 1019334 (VCV001019334.3), dbSNP rs575020739, ClinGen allele CA372681704.
Genomic context (GRCh38, chr8:144,514,479, plus strand): 5'-CCCTAGGCCCATGAGGCCCCCACCTTCTGCAGGACAGATTCCCGTTGCTTCCTGGTCATG[C>A]CCGAGTGTATGCAGGCCGCCTTGAGACACGGTGGCAGGCCAGACACCTGCAAATGCAGGA-3'
Protein context (NP_004251.4, residues 546-566): PCLKAACIHS[Gly556Val]MTRKQRESVL

ClinVar aggregate classification (germline): Uncertain significance (1 of 4 stars; one submission).

Conditions:
Baller-Gerold syndrome (BGS). Also called: CRANIOSYNOSTOSIS WITH RADIAL DEFECTS. Identifiers: Orphanet 1225, MedGen C0265308, MONDO:0009039, OMIM 218600.

Submission:

Labcorp Genetics (formerly Invitae), Labcorp
Classification: Uncertain significance for Baller-Gerold syndrome. Last evaluated: 2020-03-22. Review status: criteria provided, single submitter. Criteria: Invitae Variant Classification Sherloc (09022015). Collection method: clinical testing. Allele origin: germline.
Comment: This sequence change replaces glycine with valine at codon 556 of the RECQL4 protein (p.Gly556Val). The glycine residue is highly conserved and there is a moderate physicochemical difference between glycine and valine. This variant is not present in population databases (ExAC no frequency). This variant has not been reported in the literature in individuals with RECQL4-related conditions. Experimental studies and prediction algorithms are not available or were not evaluated, and the functional significance of this variant is currently unknown. In summary, the available evidence is currently insufficient to determine the role of this variant in disease. Therefore, it has been classified as a Variant of Uncertain Significance.